The following is an entry in ClinVar:

NM_001903.5(CTNNA1):c.1657A>T (p.Ile553Phe)

Gene: CTNNA1 (catenin alpha 1; plus strand). Cytogenetic location: 5q31.2.
Variant type: single nucleotide variant.
Coding change: c.1657A>T on transcript NM_001903.5 (MANE Select); coding-DNA position 1657, A replaced by T.
Protein change: p.Ile553Phe; replaces isoleucine 553 with phenylalanine.
Molecular consequence: missense variant.
Genome position (GRCh38, 1-based): chr5:138,924,620, A>T. VCF-style: chr5-138924620-A-T. GRCh37 (hg19) VCF-style: chr5-138260309-A-T.
Other names: c.1657A>T, p.Ile553Phe (NM_001290307.3, NM_001323982.2, NM_001323983.1 and 2 more transcripts); c.1348A>T, p.Ile450Phe (NM_001290309.3); c.1288A>T, p.Ile430Phe (NM_001290310.3); c.547A>T, p.Ile183Phe (NM_001290312.1, NM_001323987.1, NM_001323988.1 and 17 more transcripts); c.1564A>T, p.Ile522Phe (NM_001323986.2); c.208A>T, p.Ile70Phe (NM_001324006.1, NM_001324007.1, NM_001324008.1 and 2 more transcripts); c.454A>T, p.Ile152Phe (NM_001324011.1); c.304A>T, p.Ile102Phe (NM_001324012.1, NM_001324013.1); and 1 more; short protein forms I430F, I183F, I450F, I553F, I102F, I152F, I70F, I522F.
Identifiers: ClinVar variation 2720731 (VCV002720731.5), dbSNP rs1763615247, ClinGen allele CA361131910.

ClinVar aggregate classification (germline): Uncertain significance. Review status: criteria provided, multiple submitters, no conflicts (2 of 4 stars). 3 submissions from 3 submitters: Uncertain significance (3). Last evaluated 2025-08-20.

Conditions:
Hereditary cancer-predisposing syndrome. Also called: Neoplastic Syndromes, Hereditary; Tumor predisposition; Hereditary neoplastic syndrome; Hereditary Cancer Syndrome. Identifiers: Orphanet 140162, MedGen C0027672, MeSH D009386, MONDO:0015356.

Allele frequency attached by ClinVar (database versions not stated): gnomAD exomes below 0.00001.
gnomAD v4.1: 1 of 1,613,800 alleles (0.000062%); highest among the groups gnomAD compares: Non-Finnish European, 0.000085%; no homozygotes.

Submissions (3):

Ambry Genetics
Classification: Uncertain significance for Hereditary cancer-predisposing syndrome. Last evaluated: 2025-08-20. Review status: criteria provided, single submitter. Criteria: Ambry Variant Classification Scheme 2023. Collection method: clinical testing. Allele origin: germline.
Comment: The p.I553F variant (also known as c.1657A>T), located in coding exon 11 of the CTNNA1 gene, results from an A to T substitution at nucleotide position 1657. The isoleucine at codon 553 is replaced by phenylalanine, an amino acid with highly similar properties. This amino acid position is conserved. In addition, this alteration is predicted to be tolerated by in silico analysis. Based on the available evidence, the clinical significance of this variant remains unclear.

Labcorp Genetics (formerly Invitae), Labcorp
Classification: Uncertain significance. Last evaluated: 2024-12-08. Review status: criteria provided, single submitter. Criteria: Invitae Variant Classification Sherloc (09022015). Collection method: clinical testing. Allele origin: germline.
Comment: This sequence change replaces isoleucine, which is neutral and non-polar, with phenylalanine, which is neutral and non-polar, at codon 553 of the CTNNA1 protein (p.Ile553Phe). This variant is not present in population databases (gnomAD no frequency). This variant has not been reported in the literature in individuals affected with CTNNA1-related conditions. ClinVar contains an entry for this variant (Variation ID: 2720731). Invitae Evidence Modeling of protein sequence and biophysical properties (such as structural, functional, and spatial information, amino acid conservation, physicochemical variation, residue mobility, and thermodynamic stability) indicates that this missense variant is not expected to disrupt CTNNA1 protein function with a negative predictive value of 80%. In summary, the available evidence is currently insufficient to determine the role of this variant in disease. Therefore, it has been classified as a Variant of Uncertain Significance.

GeneDx
Classification: Uncertain significance. Last evaluated: 2024-03-13. Review status: criteria provided, single submitter. Criteria: GeneDx Variant Classification Process June 2021. Collection method: clinical testing. Allele origin: germline. Affected: yes.
Comment: Not observed at significant frequency in large population cohorts (gnomAD); In silico analysis supports that this missense variant does not alter protein structure/function; Has not been previously published as pathogenic or benign to our knowledge